The following is an entry in ClinVar:

NM_001927.4(DES):c.208C>T (p.Arg70Trp)

Gene: DES (desmin; plus strand). Cytogenetic location: 2q35.
Variant type: single nucleotide variant.
Coding change: c.208C>T on transcript NM_001927.4 (MANE Select); coding-DNA position 208, C replaced by T.
Protein change: p.Arg70Trp; replaces arginine 70 with tryptophan.
Molecular consequence: missense variant.
Genome position (GRCh38, 1-based): chr2:219,418,670, C>T. VCF-style: chr2-219418670-C-T. GRCh37 (hg19) VCF-style: chr2-220283392-C-T.
Other names: c.208C>T, p.Arg70Trp (NM_001382708.1, NM_001382709.1, NM_001382710.1 and 3 more transcripts); short protein forms R70W.
Identifiers: ClinVar variation 1051885 (VCV001051885.10), dbSNP rs2125166022, ClinGen allele CA350683890.

ClinVar aggregate classification (germline): Uncertain significance (1 of 4 stars; one submission).

Conditions:
Desmin-related myofibrillar myopathy (MFM1). Also called: MYOFIBRILLAR MYOPATHY WITH ARRHYTHMOGENIC RIGHT VENTRICULAR CARDIOMYOPATHY; DESMIN-RELATED MYOPATHY WITH ARRHYTHMOGENIC RIGHT VENTRICULAR CARDIOMYOPATHY; Myofibrillar myopathy 1; Desminopathy; Desmin related myopathy (former name); Desmin storage myopathy (former name). Identifiers: Orphanet 363543, Orphanet 98909, MedGen C1832370, MONDO:0011076, OMIM 601419.

Allele frequency attached by ClinVar (database versions not stated): gnomAD exomes below 0.00001.
gnomAD v4.1: 1 of 1,579,748 alleles (0.000063%); highest among the groups gnomAD compares: Non-Finnish European, 0.000086%; no homozygotes.

Submission:

Labcorp Genetics (formerly Invitae), Labcorp
Classification: Uncertain significance for Desmin-related myofibrillar myopathy. Last evaluated: 2020-02-11. Review status: criteria provided, single submitter. Criteria: Invitae Variant Classification Sherloc (09022015). Collection method: clinical testing. Allele origin: germline.
Comment: This sequence change replaces arginine with tryptophan at codon 70 of the DES protein (p.Arg70Trp). The arginine residue is highly conserved and there is a moderate physicochemical difference between arginine and tryptophan. This variant is not present in population databases (ExAC no frequency). This variant has not been reported in the literature in individuals with DES-related conditions. Algorithms developed to predict the effect of missense changes on protein structure and function are either unavailable or do not agree on the potential impact of this missense change (SIFT: "Deleterious"; PolyPhen-2: "Benign"; Align-GVGD: "Class C0"). In summary, the available evidence is currently insufficient to determine the role of this variant in disease. Therefore, it has been classified as a Variant of Uncertain Significance.